The following is an entry in ClinVar:

ClinVar aggregate classification (germline): Pathogenic. Review status: criteria provided, multiple submitters, no conflicts (2 of 4 stars). 7 submissions from 7 submitters: Pathogenic (7). Last evaluated 2026-10-06.

Conditions:
Neurofibromatosis, type 1 (NF1). Also called: VON RECKLINGHAUSEN DISEASE; Peripheral type neurofibromatosis; Neurofibromatosis, type I; NEUROFIBROMATOSIS, TYPE I, SOMATIC. Identifiers: Orphanet 636, MedGen C0027831, MONDO:0018975, OMIM 162200. Disease mechanism: loss of function.
Hereditary cancer-predisposing syndrome. Also called: Hereditary Cancer Syndrome; Neoplastic Syndromes, Hereditary; Hereditary neoplastic syndrome; Tumor predisposition. Identifiers: Orphanet 140162, MedGen C0027672, MeSH D009386, MONDO:0015356.
Cardiovascular phenotype. Identifiers: MedGen CN230736.

Submissions (7):

NHS Central & South Genomic Laboratory Hub
Classification: Pathogenic for Neurofibromatosis type 1. Last evaluated: 2026-10-06. Review status: criteria provided, single submitter. Criteria: ACMG Guidelines, 2015. Collection method: clinical testing. Allele origin: germline. Affected: yes.

Labcorp Genetics (formerly Invitae), Labcorp
Classification: Pathogenic for Neurofibromatosis, type 1. Last evaluated: 2026-01-28. Review status: criteria provided, single submitter. Criteria: Invitae Variant Classification Sherloc (09022015). Collection method: clinical testing. Allele origin: germline.
Comment: This sequence change affects a donor splice site in intron 8 of the NF1 gene. RNA analysis indicates that disruption of this splice site induces altered splicing and likely results in the gain of 20 amino acid residue(s), but is expected to preserve the integrity of the reading-frame. This variant is not present in population databases (gnomAD no frequency). Disruption of this splice site has been observed in individual(s) with neurofibromatosis type1 (PMID: 10712197, 28961165, 30530636; internal data). Invitae Evidence Modeling of clinical and family history, age, sex, and reported ancestry of multiple individuals with this NF1 variant has been performed. This variant is expected to be pathogenic with a positive predictive value of at least 99%. This is a validated machine learning model that incorporates the clinical features of 1,785,918 individuals referred to our laboratory for NF1 testing. ClinVar contains an entry for this variant (Variation ID: 547573). Studies have shown that disruption of this splice site results in the activation of a cryptic splice site in intron 8 (PMID: 18546366; internal data). For these reasons, this variant has been classified as Pathogenic.

Ambry Genetics
Classification: Pathogenic for Cardiovascular phenotype; Hereditary cancer-predisposing syndrome. Last evaluated: 2025-11-24. Review status: criteria provided, single submitter. Criteria: Ambry Variant Classification Scheme 2023. Collection method: clinical testing. Allele origin: germline.
Comment: The c.888+1G>A intronic pathogenic mutation results from a G to A substitution one nucleotide after coding exon 8 of the NF1 gene. This variant has been detected in individuals with features consistent with neurofibromatosis type 1 (NF1) (Fahsold R et al. Am. J. Hum. Genet., 2000 Mar;66:790-818; Ars E et al. J. Med. Genet., 2003 Jun;40:e82; Pros E et al. Hum. Mutat., 2008 Sep;29:E173-93; Frayling IM et al. J. Med. Genet., 2019 04;56:209-219). This variant was also reported to result in either skipping of exon 8 or activation of a cryptic donor site in intron 8 (Ars E et al. J. Med. Genet., 2003 Jun;40:e82; Pros E et al. Hum. Mutat., 2008 Sep;29:E173-93; Frayling IM et al. J. Med. Genet., 2019 04;56:209-219; Ambry internal data). Furthermore, other variants at the same donor site (c.888+1G>C and c.888+2T>G) have been identified in individuals diagnosed with or suspected of having NF1 (Pasmant E et al. Mol. Med. 2011 Sep;17:79-87; Bonatti F et al. Int J Mol Sci, 2017 Sep;18). This variant is considered to be rare based on population cohorts in the Genome Aggregation Database (gnomAD). This nucleotide position is highly conserved in available vertebrate species. In silico splice site analysis predicts that this alteration will weaken the native splice donor site. Alterations that disrupt the canonical splice site are expected to cause aberrant splicing, resulting in an abnormal protein or a transcript that is subject to nonsense-mediated mRNA decay. As such, this alteration is classified as a disease-causing mutation.

3billion
Classification: Pathogenic for Neurofibromatosis, type 1. Last evaluated: 2025-06-12. Review status: criteria provided, single submitter. Criteria: ACMG Guidelines, 2015. Collection method: clinical testing. Allele origin: germline. Affected: yes.
Comment: The variant is not observed in the gnomAD v4.1.0 dataset. Predicted Consequence/Location: Canonical splice site: predicted to alter splicing and result in a loss or disruption of normal protein function. Multiple pathogenic loss-of-function variants are reported downstream of the variant. In silico tools predict the variant to alter splicing and produce an abnormal transcript [SpliceAI: 0.95 (spliceogenicity >=0.2, non-spliceogenicity <0.1)]. The variant has been reported at least twice as pathogenic with clinical assertions and evidence for the classification (ClinVar ID: VCV000547573 /PMID: 10712197). Therefore, this variant is classified as Pathogenic according to the recommendation of ACMG/AMP guideline.

GeneDx
Classification: Pathogenic. Last evaluated: 2024-02-09. Review status: criteria provided, single submitter. Criteria: GeneDx Variant Classification Process June 2021. Collection method: clinical testing. Allele origin: germline. Affected: yes.
Comment: Canonical splice site variant demonstrated to result in abnormal gene splicing in a gene for which loss-of-function is a known mechanism of disease (PMID: 16741618, 18546366, 23913538, 30530636); Not observed at significant frequency in large population cohorts (gnomAD); This variant is associated with the following publications: (PMID: 30530636, 16741618, 23913538, 10712197, 18546366, 31201679)

Genome-Nilou Lab
Classification: Pathogenic for Neurofibromatosis, type 1. Last evaluated: 2022-03-15. Review status: criteria provided, single submitter. Criteria: ACMG Guidelines, 2015. Collection method: clinical testing. Allele origin: germline. Affected: no.

Center for Human Genetics, Inc
Classification: Pathogenic for Neurofibromatosis, type 1. Last evaluated: 2016-11-01. Review status: criteria provided, single submitter. Criteria: ACMG Guidelines, 2015. Collection method: clinical testing. Allele origin: germline. Affected: yes.

Literature cited by the submitters: PubMed 10712197 (cited by 3 submitters); PubMed 28961165 (cited by Labcorp Genetics (formerly Invitae), Labcorp and Ambry Genetics); PubMed 30530636 (cited by Labcorp Genetics (formerly Invitae), Labcorp and Ambry Genetics); PubMed 18546366 (cited by Labcorp Genetics (formerly Invitae), Labcorp and Ambry Genetics); PubMed 12807981 (cited by Ambry Genetics); PubMed 20844836 (cited by Ambry Genetics); PubMed 31201679 (cited by Ambry Genetics).

NM_001042492.3(NF1):c.888+1G>A

Gene: NF1 (neurofibromin 1; plus strand). Cytogenetic location: 17q11.2.
Variant type: single nucleotide variant.
Coding change: c.888+1G>A on transcript NM_001042492.3 (MANE Select); the canonical splice donor site of the intron after coding-DNA position 888, G replaced by A.
Molecular consequence: splice donor variant.
Genome position (GRCh38, 1-based): chr17:31,182,666, G>A. VCF-style: chr17-31182666-G-A. GRCh37 (hg19) VCF-style: chr17-29509684-G-A.
Other names: c.888+1G>A (NM_000267.4, NM_001128147.3).
Identifiers: ClinVar variation 547573 (VCV000547573.16), dbSNP rs1135402799, ClinGen allele CA398991317.